The following is an entry in ClinVar:

NM_001134232.2(TMEM106B):c.394T>G (p.Tyr132Asp)

Gene: TMEM106B (transmembrane protein 106B; plus strand). Cytogenetic location: 7p21.3.
Variant type: single nucleotide variant.
Coding change: c.394T>G on transcript NM_001134232.2 (MANE Select); coding-DNA position 394, T replaced by G.
Protein change: p.Tyr132Asp; replaces tyrosine 132 with aspartic acid.
Molecular consequence: missense variant.
Genome position (GRCh38, 1-based): chr7:12,224,338, T>G. VCF-style: chr7-12224338-T-G. GRCh37 (hg19) VCF-style: chr7-12263964-T-G.
Other names: c.394T>G, p.Tyr132Asp (NM_018374.4); short protein forms Y132D.
Identifiers: ClinVar variation 3604732 (VCV003604732.2).

ClinVar aggregate classification (germline): Uncertain significance (1 of 4 stars; one submission).

gnomAD v4.1: 56 of 1,613,804 alleles (0.0035%); highest among the groups gnomAD compares: Non-Finnish European, 0.0041%; no homozygotes.

Submission:

Labcorp Genetics (formerly Invitae), Labcorp
Classification: Uncertain significance. Last evaluated: 2024-11-11. Review status: criteria provided, single submitter. Criteria: Invitae Variant Classification Sherloc (09022015). Collection method: clinical testing. Allele origin: germline.
Comment: This sequence change replaces tyrosine, which is neutral and polar, with aspartic acid, which is acidic and polar, at codon 132 of the TMEM106B protein (p.Tyr132Asp). This variant is present in population databases (rs139421888, gnomAD 0.002%). This variant has not been reported in the literature in individuals affected with TMEM106B-related conditions. Invitae Evidence Modeling of protein sequence and biophysical properties (such as structural, functional, and spatial information, amino acid conservation, physicochemical variation, residue mobility, and thermodynamic stability) indicates that this missense variant is not expected to disrupt TMEM106B protein function with a negative predictive value of 80%. In summary, the available evidence is currently insufficient to determine the role of this variant in disease. Therefore, it has been classified as a Variant of Uncertain Significance.